The following is an entry in ClinVar:

NM_033305.3(VPS13A):c.33del (p.Asn12fs)

Genes: VPS13A (vacuolar protein sorting 13 homolog A; plus strand), VPS13A-AS1 (VPS13A antisense RNA 1; minus strand). Cytogenetic location: 9q21.2.
Variant type: Deletion.
Coding change: c.33del on transcript NM_033305.3 (MANE Select); coding-DNA position 33, one base deleted (G; older notation c.33delG).
Protein change: p.Asn12fs; shifts the reading frame from asparagine 12.
Molecular consequence: frameshift variant. On other transcripts: non-coding transcript variant (1).
Genome position (GRCh38, 1-based): chr9:77,177,737, G deleted. VCF-style (leftmost placement, unchanged base first): chr9-77177736-TG-T. GRCh37 (hg19) VCF-style: chr9-79792652-TG-T.
Other names: c.33del, p.Asn12fs (NM_001018037.2, NM_001018038.3, NM_015186.4); short protein forms N12fs.
Identifiers: ClinVar variation 5014552 (VCV005014552.1).

ClinVar aggregate classification (germline): Pathogenic (1 of 4 stars; one submission).

Conditions:
VPS13A-related neurodegenerative disease. Also called: ACANTHOCYTOSIS WITH NEUROLOGIC DISORDER; LEVINE-CRITCHLEY SYNDROME; Choreoacanthocytosis; Chorea-acanthocytosis; Choreaacanthocytosis; VPS13A Disease. Identifiers: Orphanet 2388, MedGen C0393576, MONDO:0008695, OMIM 200150.

Submission:

Myriad Genetics, Inc.
Classification: Pathogenic for VPS13A-related neurodegenerative disease. Last evaluated: 2024-05-14. Review status: criteria provided, single submitter. Criteria: Myriad Autosomal Dominant, Autosomal Recessive and X-Linked Classification Criteria (2023). Collection method: clinical testing. Allele origin: unknown.
Comment: NM_033305.2(VPS13A):c.33delG(N12Tfs*37) is expected to be pathogenic in the context of VPS13A disease. This variant is predicted to lead to an abnormal or absent protein product due to the creation of a premature termination codon in VPS13A, a gene where loss-of-function variants are known to be pathogenic. Please note: this variant was assessed in the context of healthy population screening.